The following is an entry in ClinVar:

NM_017763.6(RNF43):c.111G>A (p.Glu37=)

Gene: RNF43 (ring finger protein 43; minus strand). Cytogenetic location: 17q22.
Variant type: single nucleotide variant.
Coding change: c.111G>A on transcript NM_017763.6 (MANE Select); coding-DNA position 111, G replaced by A.
Protein change: p.Glu37=; no amino-acid change (glutamic acid 37 retained).
Molecular consequence: synonymous variant. On other transcripts: intron variant (1).
Genome position (GRCh38, 1-based): chr17:58,415,467, C>T on the plus strand (G>A on the coding strand, the complement: RNF43 is on the minus strand). VCF-style: chr17-58415467-C-T. GRCh37 (hg19) VCF-style: chr17-56492828-C-T.
Other names: c.111G>A, p.Glu37= (NM_001305544.3, NM_001438820.1, NM_001438821.1 and 1 more transcripts); c.-130+1550G>A (NM_001437987.1).
Identifiers: ClinVar variation 4875730 (VCV004875730.1).
Genomic context (GRCh38, chr17:58,415,467, plus strand): 5'-GGGGTCCATTTTCAAGGGGATCACTCTGATAATAGCTTTCTGTTCTGCTGATCTTTCAGA[C>T]TCCACCGCTGCTGCCAGTACCAGTCCTGTGCGTCCAAAGCCTGCCTGCAGGGTAGCCATC-3'
Protein context (NP_060233.3, residues 27-47): RTGLVLAAAV[Glu37=]SERSAEQKAI

ClinVar aggregate classification (germline): Benign (1 of 4 stars; one submission).

Conditions:
Sessile serrated polyposis cancer syndrome (SSPCS). Identifiers: Orphanet 157798, MedGen C4310714, MONDO:0014919, OMIM 617108.

gnomAD v4.1: 2 of 1,614,108 alleles (0.00012%); highest among the groups gnomAD compares: Admixed American, 0.0017%; no homozygotes.

Submission:

Myriad Genetics, Inc.
Classification: Benign for Sessile serrated polyposis cancer syndrome. Last evaluated: 2026-06-29. Review status: criteria provided, single submitter. Criteria: Myriad Autosomal Dominant, Autosomal Recessive and X-Linked Classification Criteria (2023). Collection method: clinical testing. Allele origin: unknown.
Comment: This variant is considered benign. This variant is a silent/synonymous amino acid change and it is not expected to impact splicing.